The following is an entry in ClinVar:

NM_005391.5(PDK3):c.896G>A (p.Arg299His)

Gene: PDK3 (pyruvate dehydrogenase kinase 3; plus strand). Cytogenetic location: Xp22.11.
Variant type: single nucleotide variant.
Coding change: c.896G>A on transcript NM_005391.5 (MANE Select); coding-DNA position 896, G replaced by A.
Protein change: p.Arg299His; replaces arginine 299 with histidine.
Molecular consequence: missense variant.
Genome position (GRCh38, 1-based): chrX:24,528,119, G>A. VCF-style: chrX-24528119-G-A. GRCh37 (hg19) VCF-style: chrX-24546236-G-A.
Other names: c.896G>A, p.Arg299His (NM_001142386.3); short protein forms R299H.
Identifiers: ClinVar variation 2912022 (VCV002912022.3), dbSNP rs1922567247, ClinGen allele CA412602925.

ClinVar aggregate classification (germline): Uncertain significance (1 of 4 stars; one submission).

Conditions:
Charcot-Marie-Tooth disease X-linked dominant 6. Also called: CHARCOT-MARIE-TOOTH NEUROPATHY, X-LINKED DOMINANT, 6. Identifiers: Orphanet 352675, MedGen C3806702, MONDO:0010479, OMIM 300905.

Allele frequency attached by ClinVar (database versions not stated): gnomAD 0.00001; gnomAD exomes 0.00001; TOPMed 0.00001; 1000 Genomes Project 30x 0.00021.

Submission:

Labcorp Genetics (formerly Invitae), Labcorp
Classification: Uncertain significance for Charcot-Marie-Tooth disease X-linked dominant 6. Last evaluated: 2024-01-26. Review status: criteria provided, single submitter. Criteria: Invitae Variant Classification Sherloc (09022015). Collection method: clinical testing. Allele origin: germline.
Comment: This sequence change replaces arginine, which is basic and polar, with histidine, which is basic and polar, at codon 299 of the PDK3 protein (p.Arg299His). This variant is not present in population databases (gnomAD no frequency). This variant has not been reported in the literature in individuals affected with PDK3-related conditions. Advanced modeling of protein sequence and biophysical properties (such as structural, functional, and spatial information, amino acid conservation, physicochemical variation, residue mobility, and thermodynamic stability) performed at Invitae indicates that this missense variant is not expected to disrupt PDK3 protein function with a negative predictive value of 80%. In summary, the available evidence is currently insufficient to determine the role of this variant in disease. Therefore, it has been classified as a Variant of Uncertain Significance.